The following is an entry in ClinVar:

ClinVar aggregate classification (germline): Uncertain significance (1 of 4 stars; one submission).

Submission:

Dasa
Classification: Uncertain significance. Last evaluated: 2024-07-03. Review status: criteria provided, single submitter. Criteria: DASA Assertion Criteria. Collection method: clinical testing. Allele origin: germline.
Comment: NM_001267550.2(TTN):c.9989-4T>C is a splice-region variant. This variant is rare in population databases. Computational prediction algorithms are consistent with a benign effect. The currently available literature and clinical evidence are not sufficient to establish a definitive association between this variant and the reported condition. Therefore, this variant is classified as a variant of uncertain significance.

NM_001267550.2(TTN):c.9989-4T>C

Gene: TTN (titin; minus strand). Cytogenetic location: 2q31.2.
Variant type: single nucleotide variant.
Coding change: c.9989-4T>C on transcript NM_001267550.2 (MANE Select); 4 bases into the intron before coding-DNA position 9989, T replaced by C.
Molecular consequence: intron variant.
Genome position (GRCh38, 1-based): chr2:178,764,306, A>G on the plus strand (T>C on the coding strand, the complement: TTN is on the minus strand). VCF-style: chr2-178764306-A-G. GRCh37 (hg19) VCF-style: chr2-179629033-A-G.
Other names: c.9851-4T>C (NM_003319.4, NM_133437.4, NM_133432.3); c.9989-4T>C (NM_133378.4, NM_001256850.1, NM_133379.5).
Identifiers: ClinVar variation 4885275 (VCV004885275.2).